The following is an entry in ClinVar:

NM_001365088.1(SLC12A6):c.550C>T (p.Gln184Ter)

Gene: SLC12A6 (solute carrier family 12 member 6; minus strand). Cytogenetic location: 15q14.
Variant type: single nucleotide variant.
Coding change: c.550C>T on transcript NM_001365088.1 (MANE Select); coding-DNA position 550, C replaced by T.
Protein change: p.Gln184Ter; replaces glutamine 184 with a stop codon.
Molecular consequence: nonsense.
Genome position (GRCh38, 1-based): chr15:34,257,782, G>A on the plus strand (C>T on the coding strand, the complement: SLC12A6 is on the minus strand). VCF-style: chr15-34257782-G-A. GRCh37 (hg19) VCF-style: chr15-34549983-G-A.
Other names: c.373C>T, p.Gln125Ter (NM_001042494.2, NM_001042495.2); c.523C>T, p.Gln175Ter (NM_001042496.2); c.505C>T, p.Gln169Ter (NM_001042497.2); c.397C>T, p.Gln133Ter (NM_005135.2); c.550C>T, p.Gln184Ter (NM_133647.2); short protein forms Q125*, Q169*, Q133*, Q175*, Q184*.
Identifiers: ClinVar variation 1455015 (VCV001455015.6), dbSNP rs935119099, ClinGen allele CA391613191.

ClinVar aggregate classification (germline): Pathogenic (1 of 4 stars; one submission).

Allele frequency attached by ClinVar (database versions not stated): gnomAD exomes below 0.00001.
gnomAD v4.1: 1 of 1,601,584 alleles (0.000062%); highest among the groups gnomAD compares: Admixed American, 0.0017%; no homozygotes.

Submission:

Labcorp Genetics (formerly Invitae), Labcorp
Classification: Pathogenic. Last evaluated: 2022-09-09. Review status: criteria provided, single submitter. Criteria: Invitae Variant Classification Sherloc (09022015). Collection method: clinical testing. Allele origin: germline.
Comment: For these reasons, this variant has been classified as Pathogenic. ClinVar contains an entry for this variant (Variation ID: 1455015). This variant has not been reported in the literature in individuals affected with SLC12A6-related conditions. This variant is not present in population databases (gnomAD no frequency). This sequence change creates a premature translational stop signal (p.Gln184*) in the SLC12A6 gene. It is expected to result in an absent or disrupted protein product. Loss-of-function variants in SLC12A6 are known to be pathogenic (PMID: 12368912, 16606917).

Literature cited by the submitters: PubMed 12368912; PubMed 16606917.